The following is an entry in ClinVar:

ClinVar aggregate classification (germline): Uncertain significance (1 of 4 stars; one submission).

Conditions:
Inborn genetic diseases. Identifiers: MedGen C0950123, MeSH D030342.

Submission:

Ambry Genetics
Classification: Uncertain significance for Inborn genetic diseases. Last evaluated: 2025-03-15. Review status: criteria provided, single submitter. Criteria: Ambry Variant Classification Scheme 2023. Collection method: clinical testing. Allele origin: germline.
Comment: The p.S62Y variant (also known as c.185C>A), located in coding exon 4 of the ASXL1 gene, results from a C to A substitution at nucleotide position 185. The serine at codon 62 is replaced by tyrosine, an amino acid with dissimilar properties. This amino acid position is conserved. In addition, the in silico prediction for this alteration is inconclusive. Based on the available evidence, the clinical significance of this variant remains unclear.

NM_015338.6(ASXL1):c.185C>A (p.Ser62Tyr)

Gene: ASXL1 (ASXL transcriptional regulator 1; plus strand). Cytogenetic location: 20q11.21.
Variant type: single nucleotide variant.
Coding change: c.185C>A on transcript NM_015338.6 (MANE Select); coding-DNA position 185, C replaced by A.
Protein change: p.Ser62Tyr; replaces serine 62 with tyrosine.
Molecular consequence: missense variant.
Genome position (GRCh38, 1-based): chr20:32,369,056, C>A. VCF-style: chr20-32369056-C-A. GRCh37 (hg19) VCF-style: chr20-30956859-C-A.
Other names: c.185C>A, p.Ser62Tyr (NM_001164603.1); c.155C>A, p.Ser52Tyr (NM_001363734.1); short protein forms S52Y, S62Y.
Identifiers: ClinVar variation 3954881 (VCV003954881.1).